The following is an entry in ClinVar:

NM_177438.3(DICER1):c.4755A>T (p.Ser1585=)

Gene: DICER1 (dicer 1, ribonuclease III; minus strand). Cytogenetic location: 14q32.13.
Variant type: single nucleotide variant.
Coding change: c.4755A>T on transcript NM_177438.3 (MANE Select); coding-DNA position 4755, A replaced by T.
Protein change: p.Ser1585=; no amino-acid change (serine 1585 retained).
Molecular consequence: synonymous variant.
Genome position (GRCh38, 1-based): chr14:95,096,165, T>A on the plus strand (A>T on the coding strand, the complement: DICER1 is on the minus strand). VCF-style: chr14-95096165-T-A. GRCh37 (hg19) VCF-style: chr14-95562502-T-A.
Other names: c.4755A>T, p.Ser1585= (NM_001195573.1, NM_001271282.3, NM_001291628.2 and 1 more transcripts).
Identifiers: ClinVar variation 477216 (VCV000477216.18), dbSNP rs555975437, ClinGen allele CA7330806.

ClinVar aggregate classification (germline): Benign/Likely benign. Review status: criteria provided, multiple submitters, no conflicts (2 of 4 stars). 3 submissions from 3 submitters: Benign (1); Likely benign (2). Last evaluated 2026-04-20.

Conditions:
DICER1-related tumor predisposition. Also called: DICER1-related pleuropulmonary blastoma cancer predisposition syndrome; DICER1 syndrome. Identifiers: Orphanet 284343, MedGen C3839822, MONDO:0100216.
Hereditary cancer-predisposing syndrome. Also called: Hereditary neoplastic syndrome; Neoplastic Syndromes, Hereditary; Hereditary Cancer Syndrome; Tumor predisposition. Identifiers: Orphanet 140162, MedGen C0027672, MeSH D009386, MONDO:0015356.

Allele frequency attached by ClinVar (database versions not stated): TOPMed below 0.00001.
gnomAD v4.1: 3 of 1,614,168 alleles (0.00019%); highest among the groups gnomAD compares: Admixed American, 0.0033%; no homozygotes.

Submissions (3):

Myriad Genetics, Inc.
Classification: Benign for DICER1-related tumor predisposition. Last evaluated: 2026-04-20. Review status: criteria provided, single submitter. Criteria: Myriad Autosomal Dominant, Autosomal Recessive and X-Linked Classification Criteria (2023). Collection method: clinical testing. Allele origin: unknown.
Comment: This variant is considered benign. This variant is a silent/synonymous amino acid change and it is not expected to impact splicing.

Labcorp Genetics (formerly Invitae), Labcorp
Classification: Likely benign for DICER1-related tumor predisposition. Last evaluated: 2025-06-29. Review status: criteria provided, single submitter. Criteria: Invitae Variant Classification Sherloc (09022015). Collection method: clinical testing. Allele origin: germline.

Ambry Genetics
Classification: Likely benign for Hereditary cancer-predisposing syndrome. Last evaluated: 2018-09-07. Review status: criteria provided, single submitter. Criteria: Ambry Variant Classification Scheme 2023. Collection method: clinical testing. Allele origin: germline.